The following is an entry in ClinVar:

NM_015443.4(KANSL1):c.1849-55T>G

Gene: KANSL1 (KAT8 regulatory NSL complex subunit 1). Cytogenetic location: 17q21.31.
Variant type: single nucleotide variant.
Coding change: c.1849-55T>G on transcript NM_015443.4 (MANE Select); 55 bases into the intron before coding-DNA position 1849, T replaced by G.
Molecular consequence: intron variant.
Genome position (GRCh38, 1-based): chr17:46,050,759, A>C on the plus strand (T>G on the coding strand, the complement: KANSL1 is on the minus strand). VCF-style: chr17-46050759-A-C. GRCh37 (hg19) VCF-style: chr17-44128125-A-C.
Other names: c.1849-55T>G (NM_001193465.2, NM_001379198.1, NM_001193466.2).
Identifiers: ClinVar variation 670660 (VCV000670660.2), dbSNP rs12150447, ClinGen allele CA14404243.

ClinVar aggregate classification (germline): Benign. Review status: criteria provided, multiple submitters, no conflicts (2 of 4 stars). 2 submissions from 2 submitters: Benign (2). Last evaluated 2018-06-14.

Allele frequency attached by ClinVar (database versions not stated): 1000 Genomes Project 30x 0.08542; 1000 Genomes Project 0.08626; TOPMed 0.14795.

Submissions (2):

GeneDx
Classification: Benign. Last evaluated: 2018-06-14. Review status: criteria provided, single submitter. Criteria: GeneDx Variant Classification (06012015). Collection method: clinical testing. Allele origin: germline. Affected: yes.
Comment: This variant is considered likely benign or benign based on one or more of the following criteria: it is a conservative change, it occurs at a poorly conserved position in the protein, it is predicted to be benign by multiple in silico algorithms, and/or has population frequency not consistent with disease.

Breakthrough Genomics
Classification: Benign. Review status: criteria provided, single submitter. Criteria: ACMG Guidelines, 2015. Collection method: not provided. Allele origin: germline. Inheritance: Autosomal dominant inheritance. Affected: yes.